The following is an entry in ClinVar:

NM_020699.4(GATAD2B):c.1321T>A (p.Cys441Ser)

Gene: GATAD2B (GATA zinc finger domain containing 2B; minus strand). Cytogenetic location: 1q21.3.
Variant type: single nucleotide variant.
Coding change: c.1321T>A on transcript NM_020699.4 (MANE Select); coding-DNA position 1321, T replaced by A.
Protein change: p.Cys441Ser; replaces cysteine 441 with serine.
Molecular consequence: missense variant.
Genome position (GRCh38, 1-based): chr1:153,813,348, A>T on the plus strand (T>A on the coding strand, the complement: GATAD2B is on the minus strand). VCF-style: chr1-153813348-A-T. GRCh37 (hg19) VCF-style: chr1-153785824-A-T.
Other names: short protein forms C441S.
Identifiers: ClinVar variation 1719007 (VCV001719007.5), dbSNP rs2101876357, ClinGen allele CA342524462.

ClinVar aggregate classification (germline): Uncertain significance (1 of 4 stars; one submission).

Submission:

Labcorp Genetics (formerly Invitae), Labcorp
Classification: Uncertain significance. Last evaluated: 2025-11-17. Review status: criteria provided, single submitter. Criteria: Invitae Variant Classification Sherloc (09022015). Collection method: clinical testing. Allele origin: germline.
Comment: This sequence change replaces cysteine, which is neutral and slightly polar, with serine, which is neutral and polar, at codon 441 of the GATAD2B protein (p.Cys441Ser). This variant is not present in population databases (gnomAD no frequency). This variant has not been reported in the literature in individuals affected with GATAD2B-related conditions. ClinVar contains an entry for this variant (Variation ID: 1719007). Invitae Evidence Modeling of protein sequence and biophysical properties (such as structural, functional, and spatial information, amino acid conservation, physicochemical variation, residue mobility, and thermodynamic stability) indicates that this missense variant is expected to disrupt GATAD2B protein function with a positive predictive value of 80%. In summary, the available evidence is currently insufficient to determine the role of this variant in disease. Therefore, it has been classified as a Variant of Uncertain Significance.